The following is an entry in ClinVar:

NM_001139498.2(FGF13):c.50-148698T>A

Gene: FGF13 (fibroblast growth factor 13; minus strand). Cytogenetic location: Xq26.3.
Variant type: single nucleotide variant.
Coding change: c.50-148698T>A on transcript NM_001139498.2; 148698 bases into the intron before coding-DNA position 50, T replaced by A.
Molecular consequence: intron variant. On other transcripts: missense variant (3).
Genome position (GRCh38, 1-based): chrX:138,857,626, A>T on the plus strand (T>A on the coding strand, the complement: FGF13 is on the minus strand). VCF-style: chrX-138857626-A-T. GRCh37 (hg19) VCF-style: chrX-137939788-A-T.
Other names: c.103T>A, p.Ser35Thr (NM_001139500.2); c.16T>A, p.Ser6Thr (NM_001139501.2, NM_001139502.2); short protein forms S35T, S6T.
Identifiers: ClinVar variation 2673261 (VCV002673261.21), dbSNP rs1410571481, ClinGen allele CA414463892.

ClinVar aggregate classification (germline): Uncertain significance (1 of 4 stars; one submission).

gnomAD v4.1: 5 of 1,209,081 alleles (0.00041%); highest among the groups gnomAD compares: Non-Finnish European, 0.00056%; no homozygotes.

Submission:

CeGaT Center for Human Genetics Tuebingen
Classification: Uncertain significance. Last evaluated: 2023-11-01. Review status: criteria provided, single submitter. Criteria: CeGaT Center For Human Genetics Tuebingen Variant Classification Criteria Version 2. Collection method: clinical testing. Allele origin: germline. Affected: yes. Observed: 1 variant allele.
Comment: FGF13: PM2, PP3